The following is an entry in ClinVar:

ClinVar aggregate classification (germline): Uncertain significance (1 of 4 stars; one submission).

Conditions:
Very long chain acyl-CoA dehydrogenase deficiency (ACADVLD). Also called: Very Long-Chain Acyl-Coenzyme A Dehydrogenase Deficiency; VLCAD Deficiency. Identifiers: Orphanet 26793, MedGen C3887523, MONDO:0008723, OMIM 201475.

Submission:

Myriad Genetics, Inc.
Classification: Uncertain significance for Very long chain acyl-CoA dehydrogenase deficiency. Last evaluated: 2026-04-27. Review status: criteria provided, single submitter. Criteria: Myriad Autosomal Dominant, Autosomal Recessive and X-Linked Classification Criteria (2023). Collection method: clinical testing. Allele origin: unknown.
Comment: NM_000018.3(ACADVL):c.1605+2dupT is a variant in a canonical splice site classified as a variant of uncertain significance in the context of very-long-chain acyl-CoA dehydrogenase deficiency. c.1605+2dupT has not been observed in cases with relevant disease. Relevant functional assessments of this variant are not available in the literature. c.1605+2dupT has not been observed in referenced population frequency databases. In summary, there is insufficient evidence to classify NM_000018.3(ACADVL):c.1605+2dupT as pathogenic or benign. Please note: this variant was assessed in the context of healthy population screening.

NM_000018.4(ACADVL):c.1605+2dup

Gene: ACADVL (acyl-CoA dehydrogenase very long chain; plus strand). Cytogenetic location: 17p13.1.
Variant type: Duplication.
Coding change: c.1605+2dup on transcript NM_000018.4 (MANE Select); the canonical splice donor site of the intron after coding-DNA position 1605, one base duplicated (T; older notation c.1605+2dupT).
Molecular consequence: splice donor variant.
Genome position (GRCh38, 1-based): chr17:7,224,395, T duplicated. VCF-style (leftmost placement, unchanged base first): chr17-7224394-G-GT. GRCh37 (hg19) VCF-style: chr17-7127713-G-GT.
Other names: c.1674+2dup (NM_001270447.2); c.1377+2dup (NM_001270448.2); c.1539+2dup (NM_001033859.3).
Identifiers: ClinVar variation 5004628 (VCV005004628.1).